The following is an entry in ClinVar:

NM_001037132.4(NRCAM):c.1904-2A>G

Gene: NRCAM (neuronal cell adhesion molecule; minus strand). Cytogenetic location: 7q31.1.
Variant type: single nucleotide variant.
Coding change: c.1904-2A>G on transcript NM_001037132.4 (MANE Select); the canonical splice acceptor site of the intron before coding-DNA position 1904, A replaced by G.
Molecular consequence: splice acceptor variant. On other transcripts: intron variant (21).
Genome position (GRCh38, 1-based): chr7:108,191,285, T>C on the plus strand (A>G on the coding strand, the complement: NRCAM is on the minus strand). VCF-style: chr7-108191285-T-C. GRCh37 (hg19) VCF-style: chr7-107831729-T-C.
Other names: c.1847-2A>G (NM_001371122.1, NM_001371124.1, NM_001371119.1 and 22 more transcripts); c.1904-2A>G (NM_001371123.1, NM_001371161.1, NM_001371138.1 and 10 more transcripts); c.1885+444A>G (NM_001371151.1, NM_001371175.1, NM_005010.5 and 8 more transcripts); c.1559-2A>G (NM_001371164.1, NM_001371125.1, NM_001371143.1 and 2 more transcripts); c.1615+444A>G (NM_001371148.1, NM_001371170.1, NM_001371180.1 and 1 more transcripts); c.976+444A>G (NM_001371137.1); c.1882+444A>G (NM_001371134.1); c.1886-2A>G (NM_001371160.1); and 3 more.
Identifiers: ClinVar variation 4986605 (VCV004986605.1).

ClinVar aggregate classification (germline): Likely pathogenic (1 of 4 stars; one submission).

Conditions:
NRCAM-related disorder.

gnomAD v4.1: 2 of 1,599,036 alleles (0.00013%); highest among the groups gnomAD compares: South Asian, 0.0023%; no homozygotes.

Submission:

PreventionGenetics, part of Exact Sciences
Classification: Likely pathogenic for NRCAM-related condition. Last evaluated: 2026-07-12. Review status: criteria provided, single submitter. Criteria: ACMG Guidelines, 2015. Collection method: clinical testing. Allele origin: germline.
Comment: The NRCAM c.1904-2A>G variant is predicted to disrupt the AG splice acceptor site and interfere with normal splicing. To our knowledge, this variant has not been reported in the literature or in a large population database (gnomAD), indicating this variant is rare. Variants that disrupt the consensus splice acceptor site in NRCAM are expected to be pathogenic. This variant is interpreted as likely pathogenic.